The following is an entry in ClinVar:

NM_001204.7(BMPR2):c.1207C>T (p.Gln403Ter)

Gene: BMPR2 (bone morphogenetic protein receptor type 2; plus strand). Cytogenetic location: 2q33.2.
Variant type: single nucleotide variant.
Coding change: c.1207C>T on transcript NM_001204.7 (MANE Select); coding-DNA position 1207, C replaced by T.
Protein change: p.Gln403Ter; replaces glutamine 403 with a stop codon.
Molecular consequence: nonsense.
Genome position (GRCh38, 1-based): chr2:202,532,663, C>T. VCF-style: chr2-202532663-C-T. GRCh37 (hg19) VCF-style: chr2-203397386-C-T.
Other names: c.1207C>T, p.Q403* (LRG_712t1); short protein forms Q403*.
Identifiers: ClinVar variation 425893 (VCV000425893.5), dbSNP rs946132834, ClinGen allele CA64029555.

ClinVar aggregate classification (germline): Pathogenic. Review status: criteria provided, single submitter (1 of 4 stars). 2 submissions from 2 submitters: Pathogenic (1). 1 of the submissions does not count toward it. Last evaluated 2025-01-11.

Conditions:
Pulmonary hypertension, primary, 1 (PPH1). Also called: Pulmonary hypertension, familial primary, 1, with or without HHT. Identifiers: Orphanet 422, MedGen C4552070, MONDO:0024533, OMIM 178600.
Primary pulmonary hypertension. Also called: Idiopathic pulmonary hypertension. Identifiers: MedGen C0152171.

Allele frequency attached by ClinVar (database versions not stated): TOPMed below 0.00001.

Submissions (2):

Labcorp Genetics (formerly Invitae), Labcorp
Classification: Pathogenic for Primary pulmonary hypertension. Last evaluated: 2025-01-11. Review status: criteria provided, single submitter. Criteria: Invitae Variant Classification Sherloc (09022015). Collection method: clinical testing. Allele origin: germline.
Comment: This sequence change creates a premature translational stop signal (p.Gln403*) in the BMPR2 gene. It is expected to result in an absent or disrupted protein product. Loss-of-function variants in BMPR2 are known to be pathogenic (PMID: 16429395). This variant is not present in population databases (gnomAD no frequency). This premature translational stop signal has been observed in individual(s) with familial primary pulmonary hypertension (PMID: 12139571). ClinVar contains an entry for this variant (Variation ID: 425893). Algorithms developed to predict the effect of sequence changes on RNA splicing suggest that this variant may disrupt the consensus splice site. For these reasons, this variant has been classified as Pathogenic.

Rare Disease Genomics Group, St George's University of London
Classification: Pathogenic for Primary pulmonary hypertension. Review status: no assertion criteria provided. Collection method: literature only. Allele origin: germline. Affected: yes. Not counted in ClinVar's aggregate classification.

Literature cited by the submitters: PubMed 16429395 (cited by Labcorp Genetics (formerly Invitae), Labcorp); PubMed 12139571 (cited by Labcorp Genetics (formerly Invitae), Labcorp and Rare Disease Genomics Group, St George's University of London); PubMed 15146475 (cited by Rare Disease Genomics Group, St George's University of London); PubMed 18159113 (cited by Rare Disease Genomics Group, St George's University of London); PubMed 23675998 (cited by Rare Disease Genomics Group, St George's University of London).